The following is an entry in ClinVar:

ClinVar aggregate classification (germline): Uncertain significance (1 of 4 stars; one submission).

Conditions:
Hypertrophic cardiomyopathy. Also called: HYPERTROPHIC MYOCARDIOPATHY. Identifiers: Orphanet 217569, MedGen C0007194, MeSH D002312, MONDO:0005045, HP:0001639.

Submission:

Labcorp Genetics (formerly Invitae), Labcorp
Classification: Uncertain significance for Hypertrophic cardiomyopathy. Last evaluated: 2023-02-14. Review status: criteria provided, single submitter. Criteria: Invitae Variant Classification Sherloc (09022015). Collection method: clinical testing. Allele origin: germline.
Comment: In summary, the available evidence is currently insufficient to determine the role of this variant in disease. Therefore, it has been classified as a Variant of Uncertain Significance. Algorithms developed to predict the effect of missense changes on protein structure and function are either unavailable or do not agree on the potential impact of this missense change (SIFT: "Tolerated"; PolyPhen-2: "Probably Damaging"; Align-GVGD: "Class C0"). This variant has not been reported in the literature in individuals affected with TPM1-related conditions. This variant is not present in population databases (gnomAD no frequency). This sequence change replaces glutamine, which is neutral and polar, with glutamic acid, which is acidic and polar, at codon 111 of the TPM1 protein (p.Gln111Glu).

NM_001018005.2(TPM1):c.331C>G (p.Gln111Glu)

Gene: TPM1 (tropomyosin 1; plus strand). Cytogenetic location: 15q22.2.
Variant type: single nucleotide variant.
Coding change: c.331C>G on transcript NM_001018005.2 (MANE Select); coding-DNA position 331, C replaced by G.
Protein change: p.Gln111Glu; replaces glutamine 111 with glutamic acid.
Molecular consequence: missense variant. On other transcripts: non-coding transcript variant (17).
Genome position (GRCh38, 1-based): chr15:63,057,075, C>G. VCF-style: chr15-63057075-C-G. GRCh37 (hg19) VCF-style: chr15-63349274-C-G.
Other names: c.331C>G, p.Gln111Glu (NM_000366.6, NM_001018004.2, NM_001365776.1 and 20 more transcripts); c.457C>G, p.Gln153Glu (NM_001365778.1, NM_001407322.1, NM_001407323.1 and 1 more transcripts); c.223C>G, p.Gln75Glu (NM_001365780.1, NM_001365781.2, NM_001365782.1 and 9 more transcripts); short protein forms Q111E, Q153E, Q75E.
Identifiers: ClinVar variation 2780214 (VCV002780214.3), dbSNP rs2034924162, ClinGen allele CA392721096.